The following is an entry in ClinVar:

NM_017849.4(TMEM127):c.137C>G (p.Thr46Ser)

Gene: TMEM127 (transmembrane protein 127; minus strand). Cytogenetic location: 2q11.2.
Variant type: single nucleotide variant.
Coding change: c.137C>G on transcript NM_017849.4 (MANE Select); coding-DNA position 137, C replaced by G.
Protein change: p.Thr46Ser; replaces threonine 46 with serine.
Molecular consequence: missense variant.
Genome position (GRCh38, 1-based): chr2:96,265,245, G>C on the plus strand (C>G on the coding strand, the complement: TMEM127 is on the minus strand). VCF-style: chr2-96265245-G-C. GRCh37 (hg19) VCF-style: chr2-96930983-G-C.
Other names: c.137C>G, p.Thr46Ser (NM_001193304.3); short protein forms T46S.
Identifiers: ClinVar variation 1405196 (VCV001405196.9), dbSNP rs1327376770, ClinGen allele CA347656042.

ClinVar aggregate classification (germline): Uncertain significance. Review status: criteria provided, multiple submitters, no conflicts (2 of 4 stars). 2 submissions from 2 submitters: Uncertain significance (2). Last evaluated 2025-02-09.

Conditions:
Hereditary pheochromocytoma and paraganglioma. Also called: Hereditary paragangliomas and pheochromocytomas; Hereditary Paraganglioma-Pheochromocytoma Syndromes; Hereditary pheochromocytoma-paraganglioma. Identifiers: Orphanet 29072, MedGen C4274332, MONDO:0017366.
Hereditary cancer-predisposing syndrome. Also called: Tumor predisposition; Hereditary Cancer Syndrome; Hereditary neoplastic syndrome; Neoplastic Syndromes, Hereditary. Identifiers: Orphanet 140162, MedGen C0027672, MeSH D009386, MONDO:0015356.

Allele frequency attached by ClinVar (database versions not stated): gnomAD exomes below 0.00001.
gnomAD v4.1: 3 of 1,595,728 alleles (0.00019%); highest among the groups gnomAD compares: Non-Finnish European, 0.00026%; no homozygotes.

Submissions (2):

Ambry Genetics
Classification: Uncertain significance for Hereditary cancer-predisposing syndrome. Last evaluated: 2025-02-09. Review status: criteria provided, single submitter. Criteria: Ambry Variant Classification Scheme 2023. Collection method: clinical testing. Allele origin: germline.
Comment: The p.T46S variant (also known as c.137C>G), located in coding exon 1 of the TMEM127 gene, results from a C to G substitution at nucleotide position 137. The threonine at codon 46 is replaced by serine, an amino acid with similar properties. This amino acid position is highly conserved in available vertebrate species. In addition, the in silico prediction for this alteration is inconclusive. Since supporting evidence is limited at this time, the clinical significance of this alteration remains unclear.

Labcorp Genetics (formerly Invitae), Labcorp
Classification: Uncertain significance for Hereditary pheochromocytoma and paraganglioma. Last evaluated: 2024-09-15. Review status: criteria provided, single submitter. Criteria: Invitae Variant Classification Sherloc (09022015). Collection method: clinical testing. Allele origin: germline.
Comment: This sequence change replaces threonine, which is neutral and polar, with serine, which is neutral and polar, at codon 46 of the TMEM127 protein (p.Thr46Ser). This variant is not present in population databases (gnomAD no frequency). This variant has not been reported in the literature in individuals affected with TMEM127-related conditions. ClinVar contains an entry for this variant (Variation ID: 1405196). An algorithm developed to predict the effect of missense changes on protein structure and function (PolyPhen-2) suggests that this variant is likely to be tolerated. In summary, the available evidence is currently insufficient to determine the role of this variant in disease. Therefore, it has been classified as a Variant of Uncertain Significance.